The following is an entry in ClinVar:

ClinVar aggregate classification (germline): Uncertain significance. Review status: criteria provided, multiple submitters, no conflicts (2 of 4 stars). 2 submissions from 2 submitters: Uncertain significance (2). Last evaluated 2024-12-31.

Conditions:
Inborn genetic diseases. Identifiers: MedGen C0950123, MeSH D030342.
Combined immunodeficiency due to LRBA deficiency. Also called: Common variable immunodeficiency 8, with autoimmunity. Identifiers: Orphanet 445018, MedGen C3553512, MONDO:0013863, OMIM 614700.

Allele frequency attached by ClinVar (database versions not stated): TOPMed below 0.00001; gnomAD 0.00001; gnomAD exomes 0.00001; ExAC 0.00002.
gnomAD v4.1: 9 of 1,614,010 alleles (0.00056%); highest among the groups gnomAD compares: Non-Finnish European, 0.00076%; no homozygotes.

Submissions (2):

Ambry Genetics
Classification: Uncertain significance for Inborn genetic diseases. Last evaluated: 2024-12-31. Review status: criteria provided, single submitter. Criteria: Ambry Variant Classification Scheme 2023. Collection method: clinical testing. Allele origin: germline.

Labcorp Genetics (formerly Invitae), Labcorp
Classification: Uncertain significance for Combined immunodeficiency due to LRBA deficiency. Last evaluated: 2021-10-27. Review status: criteria provided, single submitter. Criteria: Invitae Variant Classification Sherloc (09022015). Collection method: clinical testing. Allele origin: germline.
Comment: ClinVar contains an entry for this variant (Variation ID: 851531). This sequence change replaces lysine, a(n) basic and polar amino acid, with glutamic acid, a(n) acidic and polar amino acid, at codon 1655 of the LRBA protein (p.Lys1655Glu). This variant is present in population databases (rs755415978, gnomAD 0.002%). This variant has not been reported in the literature in individuals affected with LRBA-related conditions. Algorithms developed to predict the effect of missense changes on protein structure and function (SIFT, PolyPhen-2, Align-GVGD) all suggest that this variant is likely to be tolerated. In summary, the available evidence is currently insufficient to determine the role of this variant in disease. Therefore, it has been classified as a Variant of Uncertain Significance.

NM_001364905.1(LRBA):c.4963A>G (p.Lys1655Glu)

Gene: LRBA (LPS responsive beige-like anchor protein; minus strand). Cytogenetic location: 4q31.3.
Variant type: single nucleotide variant.
Coding change: c.4963A>G on transcript NM_001364905.1 (MANE Select); coding-DNA position 4963, A replaced by G.
Protein change: p.Lys1655Glu; replaces lysine 1655 with glutamic acid.
Molecular consequence: missense variant.
Genome position (GRCh38, 1-based): chr4:150,828,388, T>C on the plus strand (A>G on the coding strand, the complement: LRBA is on the minus strand). VCF-style: chr4-150828388-T-C. GRCh37 (hg19) VCF-style: chr4-151749540-T-C.
Other names: c.4963A>G, p.Lys1655Glu (NM_001199282.3, NM_001367550.1, NM_006726.5); short protein forms K1655E.
Identifiers: ClinVar variation 851531 (VCV000851531.7), dbSNP rs755415978, ClinGen allele CA3102612.